The following is an entry in ClinVar:

ClinVar aggregate classification (germline): Pathogenic (1 of 4 stars; one submission).

Conditions:
Werner syndrome (WRN). Identifiers: Orphanet 902, MedGen C0043119, MONDO:0010196, OMIM 277700.

Submission:

Labcorp Genetics (formerly Invitae), Labcorp
Classification: Pathogenic for Werner syndrome. Last evaluated: 2018-02-27. Review status: criteria provided, single submitter. Criteria: Invitae Variant Classification Sherloc (09022015). Collection method: clinical testing. Allele origin: germline.
Comment: This variant is not present in population databases (ExAC no frequency). For these reasons, this variant has been classified as Pathogenic. Loss-of-function variants in WRN are known to be pathogenic (PMID: 16673358). This variant has not been reported in the literature in individuals with WRN-related disease. This sequence change creates a premature translational stop signal (p.Gln724*) in the WRN gene. It is expected to result in an absent or disrupted protein product.

Literature cited by the submitters: PubMed 16673358.

NM_000553.6(WRN):c.2170C>T (p.Gln724Ter)

Gene: WRN (WRN RecQ like helicase; plus strand). Cytogenetic location: 8p12.
Variant type: single nucleotide variant.
Coding change: c.2170C>T on transcript NM_000553.6 (MANE Select); coding-DNA position 2170, C replaced by T.
Protein change: p.Gln724Ter; replaces glutamine 724 with a stop codon.
Molecular consequence: nonsense.
Genome position (GRCh38, 1-based): chr8:31,111,696, C>T. VCF-style: chr8-31111696-C-T. GRCh37 (hg19) VCF-style: chr8-30969212-C-T.
Other names: short protein forms Q724*.
Identifiers: ClinVar variation 570679 (VCV000570679.4), dbSNP rs1563357741, ClinGen allele CA370912665.
Genomic context (GRCh38, chr8:31,111,696, plus strand): 5'-GCTACTGCAAGTTCTTCAATCCGGGAAGACATTGTACGTTGCTTAAATCTGAGAAATCCT[C>T]AGATCACCTGTACTGGTTTTGATCGACCAAACCTGTATTTAGAAGTTAGGCGAAAAACAG-3'